The following is an entry in ClinVar:

ClinVar aggregate classification (germline): Likely pathogenic (1 of 4 stars; one submission).

Conditions:
Autosomal recessive limb-girdle muscular dystrophy type 2J (LGMDR10). Also called: Limb-girdle muscular dystrophy, type 2J; MUSCULAR DYSTROPHY, LIMB-GIRDLE, AUTOSOMAL RECESSIVE 10. Identifiers: Orphanet 140922, MedGen C1837342, MONDO:0012127, OMIM 608807.
Dilated cardiomyopathy 1G (CMD1G). Identifiers: Orphanet 154, MedGen C1858763, MONDO:0011400, OMIM 604145.

Submission:

Labcorp Genetics (formerly Invitae), Labcorp
Classification: Likely pathogenic for Dilated cardiomyopathy 1G; Autosomal recessive limb-girdle muscular dystrophy type 2J. Last evaluated: 2024-10-18. Review status: criteria provided, single submitter. Criteria: Invitae Variant Classification Sherloc (09022015). Collection method: clinical testing. Allele origin: germline.
Comment: This sequence change creates a premature translational stop signal (p.Asn8316Leufs*6) in the TTN gene. While this is not anticipated to result in nonsense mediated decay, it is expected to create a truncated TTN protein. Information on the frequency of this variant in the gnomAD database is not available, as this variant may be reported differently in the database. This variant has not been reported in the literature in individuals affected with TTN-related conditions. This variant is located in the I band of TTN (PMID: 25589632). Truncating variants in this region have been reported in individuals affected with autosomal recessive centronuclear myopathy (PMID: 23975875, internal data). Truncating variants in this region have also been identified in individuals affected with autosomal dominant dilated cardiomyopathy and/or cardio-related conditions (PMID: 27869827, 32964742, internal data). In summary, the currently available evidence indicates that the variant is pathogenic, but additional data are needed to prove that conclusively. Therefore, this variant has been classified as Likely Pathogenic.

Literature cited by the submitters: PubMed 25589632; PubMed 23975875; PubMed 27869827; PubMed 32964742.

NM_001267550.2(TTN):c.24946_24947delinsT (p.Asn8316fs)

Gene: TTN (titin; minus strand). Cytogenetic location: 2q31.2.
Variant type: Indel.
Coding change: c.24946_24947delinsT on transcript NM_001267550.2 (MANE Select); coding-DNA positions 24946 to 24947, AA replaced by T.
Protein change: p.Asn8316fs; shifts the reading frame from asparagine 8316.
Molecular consequence: frameshift variant. On other transcripts: intron variant (3).
Genome position (GRCh38, 1-based): chr2:178,718,059-178,718,060, TT replaced by A on the plus strand (AA replaced by T on the coding strand, the reverse complement: TTN is on the minus strand). VCF-style: chr2-178718059-TT-A. GRCh37 (hg19) VCF-style: chr2-179582786-TT-A.
Other names: c.23995_23996delinsT, p.Asn7999fs (NM_001256850.1); c.21214_21215delinsT, p.Asn7072fs (NM_133378.4); c.13282+20022_13282+20023delinsT (NM_003319.4); c.13858+20022_13858+20023delinsT (NM_133437.4); c.13657+20022_13657+20023delinsT (NM_133432.3); short protein forms N7072fs, N7999fs, N8316fs.
Identifiers: ClinVar variation 662510 (VCV000662510.6), dbSNP rs1577952992, ClinGen allele CA915942305.